The following is an entry in ClinVar:

NM_004548.3(NDUFB10):c.269+4C>T

Gene: NDUFB10 (NADH:ubiquinone oxidoreductase subunit B10; plus strand). Cytogenetic location: 16p13.3.
Variant type: single nucleotide variant.
Coding change: c.269+4C>T on transcript NM_004548.3 (MANE Select); 4 bases into the intron after coding-DNA position 269, C replaced by T.
Molecular consequence: intron variant.
Genome position (GRCh38, 1-based): chr16:1,961,295, C>T. VCF-style: chr16-1961295-C-T. GRCh37 (hg19) VCF-style: chr16-2011296-C-T.
Identifiers: ClinVar variation 2142351 (VCV002142351.4), dbSNP rs368985340, ClinGen allele CA7823298.

ClinVar aggregate classification (germline): Uncertain significance (1 of 4 stars; one submission).

Allele frequency attached by ClinVar (database versions not stated): gnomAD exomes 0.00002; TOPMed 0.00002; ExAC 0.00004; gnomAD 0.00004; ESP Exome Variant Server 0.00008.
gnomAD v4.1: 38 of 1,613,660 alleles (0.0024%); highest among the groups gnomAD compares: South Asian, 0.012%; no homozygotes.

Submission:

Labcorp Genetics (formerly Invitae), Labcorp
Classification: Uncertain significance. Last evaluated: 2022-03-17. Review status: criteria provided, single submitter. Criteria: Invitae Variant Classification Sherloc (09022015). Collection method: clinical testing. Allele origin: germline.
Comment: This sequence change falls in intron 2 of the NDUFB10 gene. It does not directly change the encoded amino acid sequence of the NDUFB10 protein. It affects a nucleotide within the consensus splice site. This variant is present in population databases (rs368985340, gnomAD 0.01%). This variant has not been reported in the literature in individuals affected with NDUFB10-related conditions. Variants that disrupt the consensus splice site are a relatively common cause of aberrant splicing (PMID: 17576681, 9536098). Algorithms developed to predict the effect of sequence changes on RNA splicing suggest that this variant is not likely to affect RNA splicing. In summary, the available evidence is currently insufficient to determine the role of this variant in disease. Therefore, it has been classified as a Variant of Uncertain Significance.

Literature cited by the submitters: PubMed 17576681; PubMed 9536098.